The following is an entry in ClinVar:

ClinVar aggregate classification (germline): Pathogenic. Review status: criteria provided, single submitter (1 of 4 stars). 2 submissions from 2 submitters: Pathogenic (1). 1 of the submissions does not count toward it. Last evaluated 2016-11-22.

Conditions:
Hereditary spastic paraplegia 11. Also called: SPASTIC PARAPLEGIA, AUTOSOMAL RECESSIVE, COMPLICATED, WITH THIN CORPUS CALLOSUM; SPASTIC PARAPLEGIA, AUTOSOMAL RECESSIVE, WITH MENTAL IMPAIRMENT AND THIN CORPUS CALLOSUM; Spastic paraplegia, mental retardation and thin corpus callosum; Spastic Paraplegia 11; Nakamura Osame syndrome; Autosomal recessive hereditary spastic paraplegia, mental impairment, and thin corpus callosum. Identifiers: Orphanet 2822, MedGen C1858479, MONDO:0011445, OMIM 604360.

Submissions (2):

Undiagnosed Diseases Network, NIH
Classification: Pathogenic for Hereditary spastic paraplegia 11. Last evaluated: 2016-11-22. Review status: criteria provided, single submitter. Criteria: ACMG Guidelines, 2015. Collection method: clinical testing. Allele origin: unknown. Inheritance: Autosomal recessive inheritance. Affected: yes. Observed: 1 variant allele, 1 compound heterozygote. Study: Undiagnosed Diseases Network (NIH), UDN.

GeneReviews
No classification provided. Condition: Hereditary spastic paraplegia 11. Review status: no classification provided. Collection method: literature only. Allele origin: unknown. Not counted in ClinVar's aggregate classification.

Literature cited by the submitters: PubMed 19194956 (cited by Undiagnosed Diseases Network, NIH and GeneReviews); PubMed 20301389 (cited by GeneReviews); NCBI Bookshelf NBK1210 (cited by GeneReviews).

NM_025137.4(SPG11):c.642del (p.Phe214fs)

Gene: SPG11 (SPG11 vesicle trafficking associated, spatacsin; minus strand). Cytogenetic location: 15q21.1.
Variant type: Deletion.
Coding change: c.642del on transcript NM_025137.4 (MANE Select); coding-DNA position 642, one base deleted (T; older notation c.642delT).
Protein change: p.Phe214fs; shifts the reading frame from phenylalanine 214.
Molecular consequence: frameshift variant.
Genome position (GRCh38, 1-based): chr15:44,659,104, A deleted on the plus strand (T on the coding strand, the reverse complement: SPG11 is on the minus strand); the first of 5 consecutive A bases (chr15:44,659,104-44,659,108); deleting any one gives the same sequence. VCF-style (leftmost placement, unchanged base first): chr15-44659103-CA-C. GRCh37 (hg19) VCF-style: chr15-44951301-CA-C.
Other names: c.642del, p.Phe214fs (NM_001160227.2); short protein forms F214fs.
Identifiers: ClinVar variation 41343 (VCV000041343.5), dbSNP rs312262717, ClinGen allele CA344375.